The following is an entry in ClinVar:

ClinVar aggregate classification (germline): Pathogenic (1 of 4 stars; one submission).

Conditions:
Rhabdoid tumor predisposition syndrome 2 (RTPS2). Identifiers: Orphanet 231108, Orphanet 69077, MedGen C2750074, MONDO:0013224, OMIM 613325.

Submission:

Labcorp Genetics (formerly Invitae), Labcorp
Classification: Pathogenic for Rhabdoid tumor predisposition syndrome 2. Last evaluated: 2025-11-01. Review status: criteria provided, single submitter. Criteria: Invitae Variant Classification Sherloc (09022015). Collection method: clinical testing. Allele origin: germline.
Comment: This sequence change creates a premature translational stop signal (p.Asn259Thrfs*44) in the SMARCA4 gene. It is expected to result in an absent or disrupted protein product. Loss-of-function variants in SMARCA4 are known to be pathogenic (PMID: 24658001, 24658002). This variant is not present in population databases (gnomAD no frequency). This variant has not been reported in the literature in individuals affected with SMARCA4-related conditions. For these reasons, this variant has been classified as Pathogenic.

Literature cited by the submitters: PubMed 24658001; PubMed 24658002.

NM_003072.5(SMARCA4):c.768del (p.Asn259fs)

Gene: SMARCA4 (SWI/SNF related BAF chromatin remodeling complex subunit ATPase 4; plus strand). Cytogenetic location: 19p13.2.
Variant type: Deletion.
Coding change: c.768del on transcript NM_003072.5 (MANE Select); coding-DNA position 768, one base deleted (A; older notation c.768delA).
Protein change: p.Asn259fs; shifts the reading frame from asparagine 259.
Molecular consequence: frameshift variant. On other transcripts: non-coding transcript variant (1).
Genome position (GRCh38, 1-based): chr19:10,986,912, A deleted. VCF-style (leftmost placement, unchanged base first): chr19-10986911-GA-G. GRCh37 (hg19) VCF-style: chr19-11097587-GA-G.
Other names: c.768del, p.Asn259fs (NM_001128847.4, NM_001128848.2, NM_001128849.3 and 6 more transcripts); short protein forms N259fs.
Identifiers: ClinVar variation 4763323 (VCV004763323.1).